The following is an entry in ClinVar:

NM_006767.4(LZTR1):c.-5C>T

Genes: LZTR1 (leucine zipper like post translational regulator 1; plus strand), LOC130067016 (ATAC-STARR-seq lymphoblastoid silent region 13504; plus strand). Cytogenetic location: 22q11.21.
Variant type: single nucleotide variant.
Coding change: c.-5C>T on transcript NM_006767.4 (MANE Select); 5 bases upstream of the start codon, C replaced by T.
Molecular consequence: 5 prime UTR variant.
Genome position (GRCh38, 1-based): chr22:20,982,367, C>T. VCF-style: chr22-20982367-C-T. GRCh37 (hg19) VCF-style: chr22-21336656-C-T.
Identifiers: ClinVar variation 2453189 (VCV002453189.3), dbSNP rs896208899, ClinGen allele CA322316024.

ClinVar aggregate classification (germline): Uncertain significance (1 of 4 stars; one submission).

Conditions:
Hereditary cancer-predisposing syndrome. Also called: Neoplastic Syndromes, Hereditary; Tumor predisposition; Hereditary neoplastic syndrome; Hereditary Cancer Syndrome. Identifiers: Orphanet 140162, MedGen C0027672, MeSH D009386, MONDO:0015356.
Cardiovascular phenotype. Identifiers: MedGen CN230736.

Allele frequency attached by ClinVar (database versions not stated): TOPMed below 0.00001; gnomAD 0.00001; gnomAD exomes 0.00001.
gnomAD v4.1: 17 of 1,548,484 alleles (0.0011%); highest among the groups gnomAD compares: Non-Finnish European, 0.0015%; no homozygotes.

Submission:

Ambry Genetics
Classification: Uncertain significance for Cardiovascular phenotype; Hereditary cancer-predisposing syndrome. Last evaluated: 2024-12-30. Review status: criteria provided, single submitter. Criteria: Ambry Variant Classification Scheme 2023. Collection method: clinical testing. Allele origin: germline.
Comment: The c.-5C>T variant is located in the 5' untranslated region (5&rsquo; UTR) of the LZTR1 gene. This variant results from a C to T substitution 5 bases upstream from the first translated codon. This nucleotide position is well conserved in available vertebrate species. Based on the available evidence, the clinical significance of this variant remains unclear.